The following is an entry in ClinVar:

NM_017617.5(NOTCH1):c.7233A>G (p.Pro2411=)

Gene: NOTCH1 (notch receptor 1; minus strand). Cytogenetic location: 9q34.3.
Variant type: single nucleotide variant.
Coding change: c.7233A>G on transcript NM_017617.5 (MANE Select); coding-DNA position 7233, A replaced by G.
Protein change: p.Pro2411=; no amino-acid change (proline 2411 retained).
Molecular consequence: synonymous variant.
Genome position (GRCh38, 1-based): chr9:136,496,506, T>C on the plus strand (A>G on the coding strand, the complement: NOTCH1 is on the minus strand). VCF-style: chr9-136496506-T-C. GRCh37 (hg19) VCF-style: chr9-139390958-T-C.
Other names: p.Pro2411=; c.7233A>G (NM_017617.4); c.7233A>G, p.Pro2411= (LRG_1122t1).
Identifiers: ClinVar variation 285559 (VCV000285559.38), dbSNP rs11574911, ClinGen allele CA5339723.

ClinVar aggregate classification (germline): Benign. Review status: criteria provided, multiple submitters, no conflicts (2 of 4 stars). 13 submissions from 12 submitters: Benign (13). Last evaluated 2026-02-02.

Conditions:
Adams-Oliver syndrome 5 (AOS5). Identifiers: Orphanet 974, MedGen C4014970, MONDO:0014459, OMIM 616028.
Familial thoracic aortic aneurysm and aortic dissection (TAAD). Also called: Thoracic aortic aneurysms and dissections. Identifiers: Orphanet 91387, MedGen C4707243, MONDO:0019625.
Aortic valve disease 1 (AOVD1). Identifiers: MedGen C3887892, MONDO:0024523, OMIM 109730.

Allele frequency attached by ClinVar (database versions not stated): gnomAD exomes 0.00316 and 0.00758; ESP Exome Variant Server 0.02574; gnomAD 0.02687 and 0.02871; TOPMed 0.03056; 1000 Genomes Project 0.03195; 1000 Genomes Project 30x 0.03451.
gnomAD v4.1: 8,915 of 1,602,606 alleles (0.56%); highest among the groups gnomAD compares: African/African-American, 9%; 334 homozygotes.

Submissions (13):

Labcorp Genetics (formerly Invitae), Labcorp
Classification: Benign for Adams-Oliver syndrome 5. Last evaluated: 2026-02-02. Review status: criteria provided, single submitter. Criteria: Invitae Variant Classification Sherloc (09022015). Collection method: clinical testing. Allele origin: germline.

ARUP Laboratories, Molecular Genetics and Genomics, ARUP Laboratories
Classification: Benign. Last evaluated: 2025-05-02. Review status: criteria provided, single submitter. Criteria: ARUP Molecular Germline Variant Investigation Process 2024. Collection method: clinical testing. Allele origin: germline.

CeGaT Center for Human Genetics Tuebingen
Classification: Benign. Last evaluated: 2025-05-01. Review status: criteria provided, single submitter. Criteria: CeGaT Center For Human Genetics Tuebingen Variant Classification Criteria Version 2. Collection method: clinical testing. Allele origin: germline. Affected: yes. Observed: 1 variant allele.
Comment: NOTCH1: BP4, BP7, BS1, BS2

Blueprint Genetics
Classification: Benign. Last evaluated: 2024-11-27. Review status: criteria provided, single submitter. Criteria: ACMG Guidelines, 2015. Collection method: clinical testing. Allele origin: germline.

Women's Health and Genetics/Laboratory Corporation of America, LabCorp
Classification: Benign. Last evaluated: 2023-05-10. Review status: criteria provided, single submitter. Criteria: LabCorp Variant Classification Summary - May 2015. Collection method: clinical testing. Allele origin: germline.

Genome-Nilou Lab
Classification: Benign for Adams-Oliver syndrome 5. Last evaluated: 2022-03-15. Review status: criteria provided, single submitter. Criteria: ACMG Guidelines, 2015. Collection method: clinical testing. Allele origin: germline. Affected: no.

Genome-Nilou Lab
Classification: Benign for Aortic valve disease 1. Last evaluated: 2022-03-15. Review status: criteria provided, single submitter. Criteria: ACMG Guidelines, 2015. Collection method: clinical testing. Allele origin: germline. Affected: no.

Mayo Clinic Laboratories, Mayo Clinic
Classification: Benign. Last evaluated: 2017-12-01. Review status: criteria provided, single submitter. Criteria: ACMG Guidelines, 2015. Collection method: clinical testing. Allele origin: germline. Observed: 18 variant alleles.

GeneDx
Classification: Benign. Last evaluated: 2016-09-30. Review status: criteria provided, single submitter. Criteria: GeneDx Variant Classification (06012015). Collection method: clinical testing. Allele origin: germline. Affected: yes.
Comment: This variant is considered likely benign or benign based on one or more of the following criteria: it is a conservative change, it occurs at a poorly conserved position in the protein, it is predicted to be benign by multiple in silico algorithms, and/or has population frequency not consistent with disease.

CHEO Genetics Diagnostic Laboratory, Children's Hospital of Eastern Ontario
Classification: Benign for Familial thoracic aortic aneurysm and aortic dissection. Last evaluated: 2016-04-15. Review status: criteria provided, single submitter. Criteria: ACMG Guidelines, 2015. Collection method: clinical testing. Allele origin: germline. Study: Canadian Open Genetics Repository.

Eurofins Ntd Llc (ga)
Classification: Benign. Last evaluated: 2016-02-11. Review status: criteria provided, single submitter. Criteria: EGL Classification Definitions 2015. Collection method: clinical testing. Allele origin: germline. Observed: 1 variant allele, 1 homozygote.

Ambry Genetics
Classification: Benign for Familial thoracic aortic aneurysm and aortic dissection. Last evaluated: 2015-04-02. Review status: criteria provided, single submitter. Criteria: Ambry Variant Classification Scheme 2023. Collection method: clinical testing. Allele origin: germline.

Breakthrough Genomics
Classification: Benign. Review status: criteria provided, single submitter. Criteria: ACMG Guidelines, 2015. Collection method: not provided. Allele origin: germline. Inheritance: Autosomal dominant inheritance. Affected: yes.

Literature cited by the submitters: PubMed 24943832 (cited by Women's Health and Genetics/Laboratory Corporation of America, LabCorp); PubMed 16614245 (cited by Women's Health and Genetics/Laboratory Corporation of America, LabCorp); PubMed 21670202 (cited by Women's Health and Genetics/Laboratory Corporation of America, LabCorp); PubMed 22210878 (cited by Women's Health and Genetics/Laboratory Corporation of America, LabCorp); PubMed 19635999 (cited by Women's Health and Genetics/Laboratory Corporation of America, LabCorp); PubMed 26837699 (cited by Women's Health and Genetics/Laboratory Corporation of America, LabCorp); PubMed 23086750 (cited by Women's Health and Genetics/Laboratory Corporation of America, LabCorp); PubMed 19245433 (cited by Women's Health and Genetics/Laboratory Corporation of America, LabCorp); PubMed 22077063 (cited by Women's Health and Genetics/Laboratory Corporation of America, LabCorp); PubMed 15472075 (cited by Women's Health and Genetics/Laboratory Corporation of America, LabCorp); PubMed 23734977 (cited by Women's Health and Genetics/Laboratory Corporation of America, LabCorp); PubMed 22858860 (cited by Women's Health and Genetics/Laboratory Corporation of America, LabCorp).